The following is an entry in ClinVar:

ClinVar aggregate classification (germline): Uncertain significance (1 of 4 stars; one submission).

Conditions:
Agammaglobulinemia 2, autosomal recessive (AGM2). Also called: AGAMMAGLOBULINEMIA, AUTOSOMAL RECESSIVE, DUE TO IGLL1 DEFECT. Identifiers: MedGen C3150750, MONDO:0013287, OMIM 613500.

Submission:

Labcorp Genetics (formerly Invitae), Labcorp
Classification: Uncertain significance for Agammaglobulinemia 2, autosomal recessive. Last evaluated: 2019-12-20. Review status: criteria provided, single submitter. Criteria: Invitae Variant Classification Sherloc (09022015). Collection method: clinical testing. Allele origin: germline.
Comment: This variant results in a copy number gain of the genomic region encompassing exons 1-2 of the IGLL1 gene. The 5' end of this event is unknown as it extends beyond the assayed region for this gene and therefore may encompass additional genes. The 3' boundary is likely confined to intron 2 of the IGLL1 gene. As the precise location of this event is unknown, it may be in tandem or it may be located elsewhere in the genome. This variant has not been reported in the literature in individuals with IGLL1-related disease. In summary, the available evidence is currently insufficient to determine the role of this variant in disease. Therefore, it has been classified as a Variant of Uncertain Significance.

NC_000022.10:g.(?_23917134)_(23922397_?)dup

Gene: IGLL1 (immunoglobulin lambda like polypeptide 1; minus strand). Cytogenetic location: 22q11.23.
Variant type: Duplication.
Identifiers: ClinVar variation 583726 (VCV000583726.2).